The following is an entry in ClinVar:

NM_001972.4(ELANE):c.173C>T (p.Thr58Ile)

Gene: ELANE (elastase, neutrophil expressed; plus strand). Cytogenetic location: 19p13.3.
Variant type: single nucleotide variant.
Coding change: c.173C>T on transcript NM_001972.4 (MANE Select); coding-DNA position 173, C replaced by T.
Protein change: p.Thr58Ile; replaces threonine 58 with isoleucine.
Molecular consequence: missense variant.
Genome position (GRCh38, 1-based): chr19:852,981, C>T. VCF-style: chr19-852981-C-T. GRCh37 (hg19) VCF-style: chr19-852981-C-T.
Other names: c.173C>T (NM_001972.3); short protein forms T58I.
Identifiers: ClinVar variation 2151751 (VCV002151751.8), dbSNP rs764500411, ClinGen allele CA9025945.

ClinVar aggregate classification (germline): Uncertain significance. Review status: criteria provided, multiple submitters, no conflicts (2 of 4 stars). 4 submissions from 4 submitters: Uncertain significance (3). 1 of the submissions does not count toward it. Last evaluated 2024-11-21.

Conditions:
Neutropenia, severe congenital, 1, autosomal dominant. Identifiers: MedGen C1859966, MONDO:0042490, OMIM 202700.
Cyclical neutropenia. Also called: Cyclic Neutropenia; Cyclic hematopoiesis. Identifiers: Orphanet 2686, MedGen C0221023, MONDO:0008090, OMIM 162800, HP:0040289. Disease mechanism: loss of function.
ELANE-related disorder. Also called: ELANE-related condition.
Inborn genetic diseases. Identifiers: MedGen C0950123, MeSH D030342.

Allele frequency attached by ClinVar (database versions not stated): gnomAD exomes 0.00001; ExAC 0.00002.
gnomAD v4.1: 4 of 1,583,198 alleles (0.00025%); highest among the groups gnomAD compares: Middle Eastern, 0.017%; no homozygotes.

Submissions (4):

Ambry Genetics
Classification: Uncertain significance for Inborn genetic diseases. Last evaluated: 2024-11-21. Review status: criteria provided, single submitter. Criteria: Ambry Variant Classification Scheme 2023. Collection method: clinical testing. Allele origin: germline.
Comment: The p.T58I variant (also known as c.173C>T), located in coding exon 2 of the ELANE gene, results from a C to T substitution at nucleotide position 173. The threonine at codon 58 is replaced by isoleucine, an amino acid with similar properties. This amino acid position is conserved. In addition, this alteration is predicted to be deleterious by in silico analysis. Based on the available evidence, the clinical significance of this variant remains unclear.

Labcorp Genetics (formerly Invitae), Labcorp
Classification: Uncertain significance for Neutropenia, severe congenital, 1, autosomal dominant; Cyclical neutropenia. Last evaluated: 2024-06-25. Review status: criteria provided, single submitter. Criteria: Invitae Variant Classification Sherloc (09022015). Collection method: clinical testing. Allele origin: germline.
Comment: This sequence change replaces threonine, which is neutral and polar, with isoleucine, which is neutral and non-polar, at codon 58 of the ELANE protein (p.Thr58Ile). The frequency data for this variant in the population databases is considered unreliable, as metrics indicate poor data quality at this position in the gnomAD database. This variant has not been reported in the literature in individuals affected with ELANE-related conditions. ClinVar contains an entry for this variant (Variation ID: 2151751). Advanced modeling of protein sequence and biophysical properties (such as structural, functional, and spatial information, amino acid conservation, physicochemical variation, residue mobility, and thermodynamic stability) performed at Invitae indicates that this missense variant is expected to disrupt ELANE protein function with a positive predictive value of 80%. In summary, the available evidence is currently insufficient to determine the role of this variant in disease. Therefore, it has been classified as a Variant of Uncertain Significance.

Genetics and Molecular Pathology, SA Pathology
Classification: Uncertain significance for Cyclical neutropenia. Last evaluated: 2022-04-13. Review status: criteria provided, single submitter. Criteria: ACMG Guidelines, 2015. Collection method: clinical testing. Allele origin: germline. Inheritance: Autosomal dominant inheritance. Affected: yes.

PreventionGenetics, part of Exact Sciences
Classification: Uncertain significance for ELANE-related condition. Last evaluated: 2024-02-10. Review status: no assertion criteria provided. Collection method: clinical testing. Allele origin: germline. Not counted in ClinVar's aggregate classification.
Comment: The ELANE c.173C>T variant is predicted to result in the amino acid substitution p.Thr58Ile. To our knowledge, this variant has not been reported in the literature. This variant is reported in 0.0012% of alleles in individuals of European (Non-Finnish) descent in gnomAD. At this time, the clinical significance of this variant is uncertain due to the absence of conclusive functional and genetic evidence.